The following is an entry in ClinVar:

ClinVar aggregate classification (germline): Uncertain significance. Review status: criteria provided, multiple submitters, no conflicts (2 of 4 stars). 2 submissions from 2 submitters: Uncertain significance (2). Last evaluated 2025-09-14.

Conditions:
Neutropenia, severe congenital, 2, autosomal dominant. Identifiers: Orphanet 486, MedGen C2751288, MONDO:0013139, OMIM 613107.

Allele frequency attached by ClinVar (database versions not stated): gnomAD 0.00001; gnomAD exomes 0.00001; ExAC 0.00006.

Submissions (2):

Labcorp Genetics (formerly Invitae), Labcorp
Classification: Uncertain significance for Neutropenia, severe congenital, 2, autosomal dominant. Last evaluated: 2025-09-14. Review status: criteria provided, single submitter. Criteria: Invitae Variant Classification Sherloc (09022015). Collection method: clinical testing. Allele origin: germline.
Comment: This sequence change replaces proline, which is neutral and non-polar, with leucine, which is neutral and non-polar, at codon 267 of the GFI1 protein (p.Pro267Leu). The frequency data for this variant in the population databases is considered unreliable, as metrics indicate poor data quality at this position in the gnomAD database. This variant has not been reported in the literature in individuals affected with GFI1-related conditions. ClinVar contains an entry for this variant (Variation ID: 2984613). Invitae Evidence Modeling of protein sequence and biophysical properties (such as structural, functional, and spatial information, amino acid conservation, physicochemical variation, residue mobility, and thermodynamic stability) indicates that this missense variant is not expected to disrupt GFI1 protein function with a negative predictive value of 80%. In summary, the available evidence is currently insufficient to determine the role of this variant in disease. Therefore, it has been classified as a Variant of Uncertain Significance.

Ambry Genetics
Classification: Uncertain significance. Last evaluated: 2024-11-20. Review status: criteria provided, single submitter. Criteria: Ambry Variant Classification Scheme 2023. Collection method: clinical testing. Allele origin: germline.
Comment: The p.P267L variant (also known as c.800C>T), located in coding exon 4 of the GFI1 gene, results from a C to T substitution at nucleotide position 800. The proline at codon 267 is replaced by leucine, an amino acid with similar properties. This amino acid position is conserved. In addition, this alteration is predicted to be tolerated by in silico analysis. Based on the available evidence, the clinical significance of this variant remains unclear.

NM_005263.5(GFI1):c.800C>T (p.Pro267Leu)

Gene: GFI1 (growth factor independent 1 transcriptional repressor; minus strand). Cytogenetic location: 1p22.1.
Variant type: single nucleotide variant.
Coding change: c.800C>T on transcript NM_005263.5 (MANE Select); coding-DNA position 800, C replaced by T.
Protein change: p.Pro267Leu; replaces proline 267 with leucine.
Molecular consequence: missense variant.
Genome position (GRCh38, 1-based): chr1:92,480,472, G>A on the plus strand (C>T on the coding strand, the complement: GFI1 is on the minus strand). VCF-style: chr1-92480472-G-A. GRCh37 (hg19) VCF-style: chr1-92946029-G-A.
Other names: c.800C>T, p.Pro267Leu (NM_001127215.3, NM_001127216.3); short protein forms P267L.
Identifiers: ClinVar variation 2984613 (VCV002984613.4), dbSNP rs774671739, ClinGen allele CA951304.